The following is an entry in ClinVar:

NM_000051.4(ATM):c.9161C>T (p.Ala3054Val)

Genes: ATM (ATM serine/threonine kinase; plus strand), C11orf65 (chromosome 11 open reading frame 65; minus strand). Cytogenetic location: 11q22.3.
Variant type: single nucleotide variant.
Coding change: c.9161C>T on transcript NM_000051.4 (MANE Select); coding-DNA position 9161, C replaced by T.
Protein change: p.Ala3054Val; replaces alanine 3054 with valine.
Molecular consequence: missense variant. On other transcripts: intron variant (2).
Genome position (GRCh38, 1-based): chr11:108,365,498, C>T. VCF-style: chr11-108365498-C-T. GRCh37 (hg19) VCF-style: chr11-108236225-C-T.
Other names: c.9161C>T, p.Ala3054Val (NM_001351834.2); c.640+20422G>A (NM_001330368.2); c.694+20422G>A (NM_001351110.2); short protein forms A3054V.
Identifiers: ClinVar variation 479082 (VCV000479082.15), dbSNP rs1555152117, ClinGen allele CA382532188.

ClinVar aggregate classification (germline): Uncertain significance. Review status: criteria provided, multiple submitters, no conflicts (2 of 4 stars). 2 submissions from 2 submitters: Uncertain significance (2). Last evaluated 2024-10-02.

Conditions:
Hereditary cancer-predisposing syndrome. Also called: Neoplastic Syndromes, Hereditary; Hereditary Cancer Syndrome; Tumor predisposition; Hereditary neoplastic syndrome. Identifiers: Orphanet 140162, MedGen C0027672, MeSH D009386, MONDO:0015356.
Ataxia-telangiectasia syndrome (AT). Also called: LOUIS-BAR SYNDROME; Cerebello-oculocutaneous telangiectasia; Immunodeficiency with ataxia telangiectasia; Ataxia-telangiectasia, complementation group D; AT, COMPLEMENTATION GROUP C; Ataxia-telangiectasia, complementation group E. Identifiers: Orphanet 100, MedGen C0004135, MONDO:0008840, OMIM 208900.

Submissions (2):

Labcorp Genetics (formerly Invitae), Labcorp
Classification: Uncertain significance for Ataxia-telangiectasia syndrome. Last evaluated: 2024-10-02. Review status: criteria provided, single submitter. Criteria: Invitae Variant Classification Sherloc (09022015). Collection method: clinical testing. Allele origin: germline.
Comment: This sequence change replaces alanine, which is neutral and non-polar, with valine, which is neutral and non-polar, at codon 3054 of the ATM protein (p.Ala3054Val). This variant is not present in population databases (gnomAD no frequency). This missense change has been observed in individual(s) with ataxia-telangiectasia and/or breast cancer (PMID: 31050087, 34196900). ClinVar contains an entry for this variant (Variation ID: 479082). An algorithm developed to predict the effect of missense changes on protein structure and function (PolyPhen-2) suggests that this variant is likely to be disruptive. Experimental studies are conflicting or provide insufficient evidence to determine the effect of this variant on ATM function (PMID: 31050087). In summary, the available evidence is currently insufficient to determine the role of this variant in disease. Therefore, it has been classified as a Variant of Uncertain Significance.

Ambry Genetics
Classification: Uncertain significance for Hereditary cancer-predisposing syndrome. Last evaluated: 2022-06-15. Review status: criteria provided, single submitter. Criteria: Ambry Variant Classification Scheme 2023. Collection method: clinical testing. Allele origin: germline.
Comment: The p.A3054V variant (also known as c.9161C>T), located in coding exon 62 of the ATM gene, results from a C to T substitution at nucleotide position 9161. The alanine at codon 3054 is replaced by valine, an amino acid with similar properties. In one study, this alteration, classified as a variant of uncertain significance, was identified in one patient with ataxia-telangiectasia who did not carry a second ATM alteration (Fi&eacute;vet A et al. Hum Mutat, 2019 10;40:1713-1730). This amino acid position is well conserved in available vertebrate species. In addition, the in silico prediction for this alteration is inconclusive. Since supporting evidence is limited at this time, the clinical significance of this alteration remains unclear.

Literature cited by the submitters: PubMed 31050087 (cited by Labcorp Genetics (formerly Invitae), Labcorp and Ambry Genetics); PubMed 34196900 (cited by Labcorp Genetics (formerly Invitae), Labcorp).